The following is an entry in ClinVar:

NM_000287.4(PEX6):c.1338_1339del (p.Ala447fs)

Gene: PEX6 (peroxisomal biogenesis factor 6; minus strand). Cytogenetic location: 6p21.1.
Variant type: Microsatellite.
Coding change: c.1338_1339del on transcript NM_000287.4 (MANE Select); coding-DNA positions 1338 to 1339, 2 bases deleted (TG; older notation c.1338_1339delTG).
Protein change: p.Ala447fs; shifts the reading frame from alanine 447.
Molecular consequence: frameshift variant. On other transcripts: non-coding transcript variant (1).
Genome position (GRCh38, 1-based): chr6:42,969,696-42,969,697, CA deleted on the plus strand (TG on the coding strand, the reverse complement: PEX6 is on the minus strand); deleting any 2 consecutive bases within chr6:42,969,696-42,969,699 gives the same sequence; the c. name uses the placement nearest the transcript's 3' end. VCF-style (leftmost placement, unchanged base first): chr6-42969695-GCA-G. GRCh37 (hg19) VCF-style: chr6-42937433-GCA-G.
Other names: c.1074_1075del, p.Ala359fs (NM_001316313.2); short protein forms A359fs, A447fs.
Identifiers: ClinVar variation 92779 (VCV000092779.19), dbSNP rs398123303, ClinGen allele CA203003.

ClinVar aggregate classification (germline): Pathogenic/Likely pathogenic. Review status: criteria provided, multiple submitters, no conflicts (2 of 4 stars). 8 submissions from 8 submitters: Pathogenic (3); Likely pathogenic (5). Last evaluated 2024-12-06.

Conditions:
PEX6-related disorder. Also called: PEX6-related condition; PEX6-related disorders.
Zellweger spectrum disorders (ZS). Also called: Zellweger Spectrum Disorder; Zellweger Spectrum; Zellweger Spectrum Disorder (ZSD); Zellweger syndrome. Identifiers: Orphanet 912, MedGen C0043459, MONDO:0019609.
Heimler syndrome 2 (HMLR2). Also called: PEROXISOME BIOGENESIS DISORDER 4C. Identifiers: Orphanet 3220, MedGen C4225267, OMIM 616617, MONDO:0014709.
Peroxisome biogenesis disorder 4A (Zellweger) (PBD4A). Also called: Zellweger syndrome spectrum (PEX6-related). Identifiers: Orphanet 912, MedGen C3553936, MONDO:0013930, OMIM 614862. Disease mechanism: loss of function.
Peroxisome biogenesis disorder 4B (PBD4B). Also called: SPINOCEREBELLAR ATAXIA WITH BLINDNESS AND DEAFNESS 1. Identifiers: Orphanet 44, Orphanet 95433, MedGen C3553937, MONDO:0013931, OMIM 614863.
Peroxisome biogenesis disorder. Identifiers: Orphanet 79189, MedGen C1832200, MONDO:0019234. Disease mechanism: loss of function.

Submissions (8):

PreventionGenetics, part of Exact Sciences
Classification: Likely pathogenic for PEX6-related condition. Last evaluated: 2024-12-06. Review status: criteria provided, single submitter. Criteria: ACMG Guidelines, 2015. Collection method: clinical testing. Allele origin: germline.
Comment: The PEX6 c.1338_1339delTG variant is predicted to result in a frameshift and premature protein termination (p.Ala447Cysfs*17). This variant in the heterozygous condition has been reported in one individual with a suspected genetic disorder; however, no other clinical information was provided (e-Table 2, Maron et al. 2023. PubMed ID: 37432431). This variant is reported in 0.0029% of alleles in individuals of Latino descent in gnomAD. Frameshift variants in PEX6 are expected to be pathogenic. This variant is interpreted as likely pathogenic.

Natera, Inc.
Classification: Likely pathogenic for Zellweger syndrome. Last evaluated: 2024-05-08. Review status: criteria provided, single submitter. Criteria: Natera Variant Classification Schema (03/2026). Collection method: clinical testing. Allele origin: germline.
Comment: The c.1338_1339delTG variant in PEX6 is a frameshift variant predicted to shift the reading frame beginning at codon 447 and leads to a stop codon 17 codons downstream. This variant is expected to result in nonsense mediated decay, truncation, or a dysfunctional protein product. This variant is rare in the general population with a frequency below the threshold expected for the associated phenotype(s). Given the available evidence, this variant is classified as Likely Pathogenic.

Fulgent Genetics
Classification: Likely pathogenic for Peroxisome biogenesis disorder 4A (Zellweger); Peroxisome biogenesis disorder 4B; Heimler syndrome 2. Last evaluated: 2024-04-05. Review status: criteria provided, single submitter. Criteria: ACMG Guidelines, 2015. Collection method: clinical testing. Allele origin: germline.

Labcorp Genetics (formerly Invitae), Labcorp
Classification: Pathogenic for Peroxisome biogenesis disorder. Last evaluated: 2024-03-28. Review status: criteria provided, single submitter. Criteria: Invitae Variant Classification Sherloc (09022015). Collection method: clinical testing. Allele origin: germline.
Comment: This sequence change creates a premature translational stop signal (p.Ala447Cysfs*17) in the PEX6 gene. It is expected to result in an absent or disrupted protein product. Loss-of-function variants in PEX6 are known to be pathogenic (PMID: 10408779, 21031596, 31831025). This variant is present in population databases (rs398123303, gnomAD 0.003%). This variant has not been reported in the literature in individuals affected with PEX6-related conditions. ClinVar contains an entry for this variant (Variation ID: 92779). For these reasons, this variant has been classified as Pathogenic.

Baylor Genetics
Classification: Pathogenic for Heimler syndrome 2. Last evaluated: 2023-05-29. Review status: criteria provided, single submitter. Criteria: ACMG Guidelines, 2015. Collection method: clinical testing. Allele origin: unknown.

Blueprint Genetics
Classification: Likely pathogenic for PEX6-related disorders. Last evaluated: 2021-09-01. Review status: criteria provided, single submitter. Criteria: ACMG Guidelines, 2015. Collection method: clinical testing. Allele origin: germline. Affected: yes. Observed: 1 variant allele.

Athena Diagnostics
Classification: Likely pathogenic. Last evaluated: 2021-03-03. Review status: criteria provided, single submitter. Criteria: Athena Diagnostics Criteria. Collection method: clinical testing. Allele origin: unknown.
Comment: This variant is expected to result in the loss of a functional protein. The frequency of this variant in the general population is consistent with pathogenicity.This observation is not an independent occurrence and has been identified in the same individual by RCIGM, the other laboratory participating in the GEMINI study.

Eurofins Ntd Llc (ga)
Classification: Pathogenic. Last evaluated: 2014-05-16. Review status: criteria provided, single submitter. Criteria: EGL Classification Definitions. Collection method: clinical testing. Allele origin: germline. Observed: 3 variant alleles, 2 heterozygotes, 2 homozygotes.

Literature cited by the submitters: PubMed 10408779 (cited by Labcorp Genetics (formerly Invitae), Labcorp); PubMed 21031596 (cited by Labcorp Genetics (formerly Invitae), Labcorp); PubMed 31831025 (cited by Labcorp Genetics (formerly Invitae), Labcorp).